The following is an entry in ClinVar:

ClinVar aggregate classification (germline): Uncertain significance (1 of 4 stars; one submission).

Conditions:
Hereditary cancer-predisposing syndrome. Also called: Tumor predisposition; Hereditary Cancer Syndrome; Neoplastic Syndromes, Hereditary; Hereditary neoplastic syndrome. Identifiers: Orphanet 140162, MedGen C0027672, MeSH D009386, MONDO:0015356.

Allele frequency attached by ClinVar (database versions not stated): gnomAD exomes below 0.00001.
gnomAD v4.1: 1 of 1,612,946 alleles (0.000062%); highest among the groups gnomAD compares: Non-Finnish European, 0.000085%; no homozygotes.

Submission:

Ambry Genetics
Classification: Uncertain significance for Hereditary cancer-predisposing syndrome. Last evaluated: 2021-11-05. Review status: criteria provided, single submitter. Criteria: Ambry Variant Classification Scheme 2023. Collection method: clinical testing. Allele origin: germline.
Comment: The p.A891V variant (also known as c.2672C>T), located in coding exon 20 of the POLD1 gene, results from a C to T substitution at nucleotide position 2672. The alanine at codon 891 is replaced by valine, an amino acid with similar properties. This amino acid position is conserved. In addition, this alteration is predicted to be tolerated by in silico analysis. Since supporting evidence is limited at this time, the clinical significance of this alteration remains unclear.

NM_002691.4(POLD1):c.2672C>T (p.Ala891Val)

Gene: POLD1 (DNA polymerase delta 1, catalytic subunit; plus strand). Cytogenetic location: 19q13.33.
Variant type: single nucleotide variant.
Coding change: c.2672C>T on transcript NM_002691.4 (MANE Select); coding-DNA position 2672, C replaced by T.
Protein change: p.Ala891Val; replaces alanine 891 with valine.
Molecular consequence: missense variant. On other transcripts: non-coding transcript variant (1).
Genome position (GRCh38, 1-based): chr19:50,415,545, C>T. VCF-style: chr19-50415545-C-T. GRCh37 (hg19) VCF-style: chr19-50918802-C-T.
Other names: c.2672C>T, p.Ala891Val (NM_001256849.1); c.2750C>T, p.Ala917Val (NM_001308632.1); short protein forms A917V, A891V.
Identifiers: ClinVar variation 1794565 (VCV001794565.2), dbSNP rs2514054368, ClinGen allele CA406985596.